The following is an entry in ClinVar:

ClinVar aggregate classification (germline): Pathogenic/Likely pathogenic. Review status: criteria provided, multiple submitters, no conflicts (2 of 4 stars). 8 submissions from 8 submitters: Pathogenic (2); Likely pathogenic (5). 1 of the submissions does not count toward it. Last evaluated 2026-04-21.

Conditions:
Joubert syndrome 28 (JBTS28). Identifiers: MedGen C4310705, MONDO:0014928, OMIM 617121.
Meckel syndrome, type 1 (MKS1). Also called: MECKEL-GRUBER SYNDROME, TYPE 1. Identifiers: Orphanet 564, MedGen C3714506, MONDO:0009571, OMIM 249000.
Bardet-Biedl syndrome 13 (BBS13). Identifiers: Orphanet 110, MedGen C2673873, MONDO:0014441, OMIM 615990.
MKS1-related disorder. Also called: MKS1-related disorders; MKS1-related condition. Identifiers: MedGen CN239382.
Meckel-Gruber syndrome. Also called: Dysencephalia splachnocystica; DYSENCEPHALIA SPLANCHNOCYSTICA; GRUBER SYNDROME. Identifiers: Orphanet 564, MedGen C0265215, MONDO:0018921.
Joubert syndrome. Also called: Familial aplasia of the vermis; JOUBERT-BOLTSHAUSER SYNDROME. Identifiers: Orphanet 475, MedGen C5979921, MONDO:0018772.

Allele frequency attached by ClinVar (database versions not stated): gnomAD exomes below 0.00001; gnomAD 0.00001; TOPMed 0.00001.

Submissions (8):

PreventionGenetics, part of Exact Sciences
Classification: Likely pathogenic for MKS1-related condition. Last evaluated: 2026-04-21. Review status: criteria provided, single submitter. Criteria: ACMG Guidelines, 2015. Collection method: clinical testing. Allele origin: germline.
Comment: The MKS1 c.844C>T variant is predicted to result in premature protein termination (p.Arg282*). To our knowledge, this variant has not been reported in the literature. This variant has not been reported in a large population database (gnomAD), indicating this variant is rare. Nonsense variants in MKS1 are expected to be pathogenic. This variant is interpreted as likely pathogenic.

Natera, Inc.
Classification: Likely pathogenic for Meckel syndrome type 1. Last evaluated: 2025-10-20. Review status: criteria provided, single submitter. Criteria: Natera Variant Classification Schema (03/2026). Collection method: clinical testing. Allele origin: germline.
Comment: The c.844C>T variant in MKS1 is a nonsense variant predicted to introduce a stop codon at amino acid 282. This variant is expected to result in nonsense mediated decay, truncation, or a dysfunctional protein product. This variant is rare in the general population with a frequency below the threshold expected for the associated phenotype(s). Given the available evidence, this variant is classified as Likely Pathogenic.

Fulgent Genetics
Classification: Likely pathogenic for Meckel syndrome, type 1; Bardet-Biedl syndrome 13; Joubert syndrome 28. Last evaluated: 2024-03-18. Review status: criteria provided, single submitter. Criteria: ACMG Guidelines, 2015. Collection method: clinical testing. Allele origin: germline.

Baylor Genetics
Classification: Likely pathogenic for Bardet-Biedl syndrome 13. Last evaluated: 2023-12-23. Review status: criteria provided, single submitter. Criteria: ACMG Guidelines, 2015. Collection method: clinical testing. Allele origin: unknown.

Labcorp Genetics (formerly Invitae), Labcorp
Classification: Pathogenic for Joubert syndrome; Meckel-Gruber syndrome. Last evaluated: 2023-05-07. Review status: criteria provided, single submitter. Criteria: Invitae Variant Classification Sherloc (09022015). Collection method: clinical testing. Allele origin: germline.
Comment: For these reasons, this variant has been classified as Pathogenic. Algorithms developed to predict the effect of sequence changes on RNA splicing suggest that this variant may disrupt the consensus splice site. ClinVar contains an entry for this variant (Variation ID: 211503). This variant has not been reported in the literature in individuals affected with MKS1-related conditions. This variant is not present in population databases (gnomAD no frequency). This sequence change creates a premature translational stop signal (p.Arg282*) in the MKS1 gene. It is expected to result in an absent or disrupted protein product. Loss-of-function variants in MKS1 are known to be pathogenic (PMID: 19466712, 24886560, 26490104).

Genetic Services Laboratory, University of Chicago
Classification: Pathogenic for Meckel syndrome 1. Last evaluated: 2014-05-14. Review status: criteria provided, single submitter. Criteria: ACMG Guidelines, 2015. Collection method: clinical testing. Allele origin: germline. Affected: yes.

Juno Genomics, Hangzhou Juno Genomics, Inc
Classification: Likely pathogenic for Bardet-Biedl syndrome 13; Joubert syndrome 28; Meckel syndrome, type 1. Review status: criteria provided, single submitter. Criteria: ACMG Guidelines, 2015. Collection method: clinical testing. Allele origin: germline.
Comment: Null variant in a gene where loss of function (LOF) is a known mechanism of disease.;Absent from controls (or at extremely low frequency if recessive) in Genome Aggregation Database.

Counsyl
Classification: Likely pathogenic for Meckel syndrome, type 1; Bardet-Biedl syndrome 13; Joubert syndrome 28. Last evaluated: 2018-03-06. Review status: no assertion criteria provided. Collection method: clinical testing. Allele origin: unknown. Not counted in ClinVar's aggregate classification.

Literature cited by the submitters: PubMed 19466712 (cited by Labcorp Genetics (formerly Invitae), Labcorp); PubMed 24886560 (cited by Labcorp Genetics (formerly Invitae), Labcorp); PubMed 26490104 (cited by Labcorp Genetics (formerly Invitae), Labcorp).

NM_017777.4(MKS1):c.844C>T (p.Arg282Ter)

Gene: MKS1 (MKS transition zone complex subunit 1; minus strand). Cytogenetic location: 17q22.
Variant type: single nucleotide variant.
Coding change: c.844C>T on transcript NM_017777.4 (MANE Select); coding-DNA position 844, C replaced by T.
Protein change: p.Arg282Ter; replaces arginine 282 with a stop codon.
Molecular consequence: nonsense.
Genome position (GRCh38, 1-based): chr17:58,212,996, G>A on the plus strand (C>T on the coding strand, the complement: MKS1 is on the minus strand). VCF-style: chr17-58212996-G-A. GRCh37 (hg19) VCF-style: chr17-56290357-G-A.
Other names: c.235C>T, p.Arg79Ter (NM_001321268.2); c.844C>T, p.Arg282Ter (NM_001321269.2, NM_001330397.2); short protein forms R282*, R79*.
Identifiers: ClinVar variation 211503 (VCV000211503.15), dbSNP rs797045706, ClinGen allele CA347417.